The following is an entry in ClinVar:

ClinVar aggregate classification (germline): Uncertain significance. Review status: criteria provided, multiple submitters, no conflicts (2 of 4 stars). 2 submissions from 2 submitters: Uncertain significance (2). Last evaluated 2025-02-04.

Conditions:
Inborn genetic diseases. Identifiers: MedGen C0950123, MeSH D030342.

Allele frequency attached by ClinVar (database versions not stated): gnomAD 0.00001 and 0.00003; gnomAD exomes 0.00001 and 0.00003; TOPMed 0.00001; ExAC 0.00006; 1000 Genomes Project 0.00040; 1000 Genomes Project 30x 0.00047.
gnomAD v4.1: 19 of 1,545,396 alleles (0.0012%); highest among the groups gnomAD compares: South Asian, 0.012%; no homozygotes.

Submissions (2):

Ambry Genetics
Classification: Uncertain significance for Inborn genetic diseases. Last evaluated: 2025-02-04. Review status: criteria provided, single submitter. Criteria: Ambry Variant Classification Scheme 2023. Collection method: clinical testing. Allele origin: germline.

Labcorp Genetics (formerly Invitae), Labcorp
Classification: Uncertain significance. Last evaluated: 2021-09-21. Review status: criteria provided, single submitter. Criteria: Invitae Variant Classification Sherloc (09022015). Collection method: clinical testing. Allele origin: germline.
Comment: This sequence change replaces proline with leucine at codon 4007 of the HSPG2 protein (p.Pro4007Leu). The proline residue is moderately conserved and there is a moderate physicochemical difference between proline and leucine. This variant is present in population databases (rs550308700, ExAC 0.02%). This variant has not been reported in the literature in individuals affected with HSPG2-related conditions. Algorithms developed to predict the effect of missense changes on protein structure and function are either unavailable or do not agree on the potential impact of this missense change (SIFT: "Deleterious"; PolyPhen-2: "Probably Damaging"; Align-GVGD: "Class C0"). In summary, the available evidence is currently insufficient to determine the role of this variant in disease. Therefore, it has been classified as a Variant of Uncertain Significance.

NM_005529.7(HSPG2):c.12020C>T (p.Pro4007Leu)

Gene: HSPG2 (heparan sulfate proteoglycan 2; minus strand). Cytogenetic location: 1p36.12.
Variant type: single nucleotide variant.
Coding change: c.12020C>T on transcript NM_005529.7 (MANE Select); coding-DNA position 12020, C replaced by T.
Protein change: p.Pro4007Leu; replaces proline 4007 with leucine.
Molecular consequence: missense variant.
Genome position (GRCh38, 1-based): chr1:21,829,052, G>A on the plus strand (C>T on the coding strand, the complement: HSPG2 is on the minus strand). VCF-style: chr1-21829052-G-A. GRCh37 (hg19) VCF-style: chr1-22155545-G-A.
Other names: c.12023C>T, p.Pro4008Leu (NM_001291860.2); c.12020C>T (NM_005529.5); short protein forms P4007L, P4008L.
Identifiers: ClinVar variation 1429741 (VCV001429741.9), dbSNP rs550308700, ClinGen allele CA669539.